The following is an entry in ClinVar:

NM_000179.3(MSH6):c.703dup (p.Thr235fs)

Gene: MSH6 (mutS homolog 6; plus strand). Cytogenetic location: 2p16.3.
Variant type: Duplication.
Coding change: c.703dup on transcript NM_000179.3 (MANE Select); coding-DNA position 703, one base duplicated (A; older notation c.703dupA).
Protein change: p.Thr235fs; shifts the reading frame from threonine 235.
Molecular consequence: frameshift variant. On other transcripts: 5 prime UTR variant (9), non-coding transcript variant (4), intron variant (1).
Genome position (GRCh38, 1-based): chr2:47,798,686, A duplicated. VCF-style (leftmost placement, unchanged base first): chr2-47798685-G-GA. GRCh37 (hg19) VCF-style: chr2-48025824-G-GA.
Other names: c.313dup, p.Thr105fs (NM_001281492.2); c.-204dup (NM_001281493.2, NM_001281494.2, NM_001406811.1 and 6 more transcripts); c.799dup, p.Thr267fs (NM_001406795.1, NM_001406802.1); c.703dup, p.Thr235fs (NM_001406796.1, NM_001406798.1, NM_001406800.1 and 4 more transcripts); c.406dup, p.Thr136fs (NM_001406797.1, NM_001406801.1, NM_001406805.1 and 10 more transcripts); c.178dup, p.Thr60fs (NM_001406799.1, NM_001406806.1, NM_001406807.1); c.625dup, p.Thr209fs (NM_001406804.1); c.709dup, p.Thr237fs (NM_001406813.1); and 2 more; short protein forms T105fs, T136fs, T179fs, T209fs, T235fs, T237fs, T267fs, T60fs.
Identifiers: ClinVar variation 2673701 (VCV002673701.1), dbSNP rs2530566706, ClinGen allele CA2695200241.

ClinVar aggregate classification (germline): Pathogenic (1 of 4 stars; one submission).

Conditions:
Lynch syndrome 5 (LYNCH5). Also called: Colorectal cancer, hereditary nonpolyposis, type 5; Hereditary non-polyposis colorectal cancer, type 5. Identifiers: Orphanet 144, MedGen C1833477, MONDO:0013710, OMIM 614350. Disease mechanism: loss of function.

Submission:

Myriad Genetics, Inc.
Classification: Pathogenic for Lynch syndrome 5. Last evaluated: 2023-08-10. Review status: criteria provided, single submitter. Criteria: Myriad Autosomal Dominant, Autosomal Recessive and X-Linked Classification Criteria (2023). Collection method: clinical testing. Allele origin: unknown.
Comment: This variant is considered pathogenic. This variant creates a frameshift predicted to result in premature protein truncation.